The following is an entry in ClinVar:

NM_144631.6(ZNF513):c.620G>A (p.Arg207His)

Gene: ZNF513 (zinc finger protein 513; minus strand). Cytogenetic location: 2p23.3.
Variant type: single nucleotide variant.
Coding change: c.620G>A on transcript NM_144631.6 (MANE Select); coding-DNA position 620, G replaced by A.
Protein change: p.Arg207His; replaces arginine 207 with histidine.
Molecular consequence: missense variant.
Genome position (GRCh38, 1-based): chr2:27,378,646, C>T on the plus strand (G>A on the coding strand, the complement: ZNF513 is on the minus strand). VCF-style: chr2-27378646-C-T. GRCh37 (hg19) VCF-style: chr2-27601513-C-T.
Other names: c.434G>A, p.Arg145His (NM_001201459.2); short protein forms R145H, R207H.
Identifiers: ClinVar variation 1518279 (VCV001518279.8), dbSNP rs752255945, ClinGen allele CA1578015.

ClinVar aggregate classification (germline): Uncertain significance (1 of 4 stars; one submission).

Allele frequency attached by ClinVar (database versions not stated): ExAC 0.00001; gnomAD exomes 0.00001; gnomAD 0.00002; TOPMed 0.00002.

Submission:

Labcorp Genetics (formerly Invitae), Labcorp
Classification: Uncertain significance. Last evaluated: 2022-08-15. Review status: criteria provided, single submitter. Criteria: Invitae Variant Classification Sherloc (09022015). Collection method: clinical testing. Allele origin: germline.
Comment: Algorithms developed to predict the effect of missense changes on protein structure and function (SIFT, PolyPhen-2, Align-GVGD) all suggest that this variant is likely to be disruptive. In summary, the available evidence is currently insufficient to determine the role of this variant in disease. Therefore, it has been classified as a Variant of Uncertain Significance. ClinVar contains an entry for this variant (Variation ID: 1518279). This variant has not been reported in the literature in individuals affected with ZNF513-related conditions. This variant is present in population databases (rs752255945, gnomAD 0.01%). This sequence change replaces arginine, which is basic and polar, with histidine, which is basic and polar, at codon 207 of the ZNF513 protein (p.Arg207His).